The following is an entry in ClinVar:

NM_001374736.1(DST):c.16034A>G (p.Asp5345Gly)

Gene: DST (dystonin; minus strand). Cytogenetic location: 6p12.1.
Variant type: single nucleotide variant.
Coding change: c.16034A>G on transcript NM_001374736.1 (MANE Select); coding-DNA position 16034, A replaced by G.
Protein change: p.Asp5345Gly; replaces aspartic acid 5345 with glycine.
Molecular consequence: missense variant.
Genome position (GRCh38, 1-based): chr6:56,552,758, T>C on the plus strand (A>G on the coding strand, the complement: DST is on the minus strand). VCF-style: chr6-56552758-T-C. GRCh37 (hg19) VCF-style: chr6-56417556-T-C.
Other names: c.9677A>G, p.Asp3226Gly (NM_001144769.5); c.9263A>G, p.Asp3088Gly (NM_001144770.2); c.16034A>G, p.Asp5345Gly (NM_001374722.1); c.15401A>G, p.Asp5134Gly (NM_001374729.1); c.9143A>G, p.Asp3048Gly (NM_001374730.1, NM_183380.4); c.16061A>G, p.Asp5354Gly (NM_001374734.1); c.8165A>G, p.Asp2722Gly (NM_015548.5); short protein forms D2722G, D3048G, D5354G, D3088G, D5134G, D5345G, D3226G.
Identifiers: ClinVar variation 970196 (VCV000970196.7), dbSNP rs749976441, ClinGen allele CA3867739.

ClinVar aggregate classification (germline): Uncertain significance (1 of 4 stars; one submission).

Conditions:
Epidermolysis bullosa simplex 3, localized or generalized intermediate, with BP230 deficiency (EBS3). Also called: Epidermolysis bullosa simplex, autosomal recessive 2; Epidermolysis bullosa simplex due to BP230 deficiency. Identifiers: Orphanet 412181, MedGen C3809470, MONDO:0014180, OMIM 615425.
Hereditary sensory and autonomic neuropathy type 6. Also called: Neuropathy, hereditary sensory and autonomic, type VI; HSAN VI. Identifiers: Orphanet 314381, MedGen C3539003, MONDO:0013839, OMIM 614653.

Allele frequency attached by ClinVar (database versions not stated): gnomAD 0.00001 and 0.00002; gnomAD exomes 0.00001 and 0.00002; TOPMed 0.00002; ExAC 0.00005.
gnomAD v4.1: 21 of 1,610,234 alleles (0.0013%); highest among the groups gnomAD compares: Middle Eastern, 0.049%; no homozygotes.

Submission:

Labcorp Genetics (formerly Invitae), Labcorp
Classification: Uncertain significance for Epidermolysis bullosa simplex 3, localized or generalized intermediate, with BP230 deficiency; Hereditary sensory and autonomic neuropathy type 6. Last evaluated: 2022-07-21. Review status: criteria provided, single submitter. Criteria: Invitae Variant Classification Sherloc (09022015). Collection method: clinical testing. Allele origin: germline.
Comment: The DST gene has multiple clinically relevant transcripts. This variant occurs in alternate transcript NM_015548.4, and corresponds to NM_001723.5:c.*62759A>G in the primary transcript. This sequence change replaces aspartic acid, which is acidic and polar, with glycine, which is neutral and non-polar, at codon 2722 of the DST protein (p.Asp2722Gly). This variant is present in population databases (rs749976441, gnomAD 0.004%). This variant has not been reported in the literature in individuals affected with DST-related conditions. Experimental studies and prediction algorithms are not available or were not evaluated, and the functional significance of this variant is currently unknown. In summary, the available evidence is currently insufficient to determine the role of this variant in disease. Therefore, it has been classified as a Variant of Uncertain Significance.